The following is an entry in ClinVar:

NM_001035.3(RYR2):c.12799C>T (p.Gln4267Ter)

Genes: RYR2 (ryanodine receptor 2; plus strand), LOC126806068 (BRD4-independent group 4 enhancer GRCh37_chr1:237947411-237948610; plus strand). Cytogenetic location: 1q43.
Variant type: single nucleotide variant.
Coding change: c.12799C>T on transcript NM_001035.3 (MANE Select); coding-DNA position 12799, C replaced by T.
Protein change: p.Gln4267Ter; replaces glutamine 4267 with a stop codon.
Molecular consequence: nonsense.
Genome position (GRCh38, 1-based): chr1:237,784,511, C>T. VCF-style: chr1-237784511-C-T. GRCh37 (hg19) VCF-style: chr1-237947811-C-T.
Other names: short protein forms Q4267*.
Identifiers: ClinVar variation 4758018 (VCV004758018.1).

ClinVar aggregate classification (germline): Uncertain significance (1 of 4 stars; one submission).

Conditions:
Cardiomyopathy (CMYO). Also called: Cardiomyopathies. Identifiers: Orphanet 167848, MedGen C0878544, MONDO:0004994, HP:0001638. Inheritance: Various modes of inheritance.

gnomAD v4.1: 1 of 1,613,642 alleles (0.000062%); highest among the groups gnomAD compares: Non-Finnish European, 0.000085%; no homozygotes.

Submission:

Color Diagnostics, LLC DBA Color Health
Classification: Uncertain significance for Cardiomyopathy. Last evaluated: 2025-09-04. Review status: criteria provided, single submitter. Criteria: ACMG Guidelines, 2015. Collection method: clinical testing. Allele origin: germline.
Comment: This variant changes 1 nucleotide in exon 90 of the RYR2 gene, creating a premature translation stop signal. This variant is expected to result in an absent protein product. To our knowledge, this variant has not been reported in individuals affected with RYR2-related disorders in the literature. This variant has been identified in 1/247524 chromosomes in the general population by the Genome Aggregation Database (gnomAD). The role of loss-of-function RYR2 truncation variants in autosomal dominant cardiovascular disorders is not clearly understood. The available evidence is insufficient to determine the role of this variant in disease conclusively. Therefore, this variant is classified as a Variant of Uncertain Significance.